The following is an entry in ClinVar:

ClinVar aggregate classification (germline): Likely pathogenic. Review status: criteria provided, single submitter (1 of 4 stars). 2 submissions from 2 submitters: Likely pathogenic (1). 1 of the submissions does not count toward it. Last evaluated 2022-06-20.

Conditions:
Spermatogenic failure 65 (SPGF65). Identifiers: MedGen C5562067, MONDO:0030531, OMIM 619712.

Allele frequency attached by ClinVar (database versions not stated): gnomAD 0.00001 and 0.00003; TOPMed 0.00003; gnomAD exomes 0.00005 and 0.00014; ESP Exome Variant Server 0.00008; ExAC 0.00012.
gnomAD v4.1: 83 of 1,613,206 alleles (0.0051%); highest among the groups gnomAD compares: South Asian, 0.053%; no homozygotes.

Submissions (2):

SIB Swiss Institute of Bioinformatics
Classification: Likely pathogenic for Spermatogenic failure 65. Last evaluated: 2022-06-20. Review status: criteria provided, single submitter. Criteria: ACMG Guidelines, 2015. Collection method: curation. Allele origin: unknown.
Comment: This variant is interpreted as likely pathogenic for Spermatogenic failure 65, autosomal recessive. The following ACMG Tag(s) were applied: Absent from controls (or at extremely low frequency if recessive) in Exome Sequencing Project, 1000 Genomes Project, or Exome Aggregation Consortium (PM2); For recessive disorders, detected in trans with a pathogenic variant (PM3); Well-established functional studies show a deleterious effect (PS3 downgraded to moderate).

OMIM
Classification: Pathogenic for SPERMATOGENIC FAILURE 65. Last evaluated: 2022-01-19. Review status: no assertion criteria provided. Collection method: literature only. Allele origin: germline. Not counted in ClinVar's aggregate classification.

Literature cited by the submitters: PubMed 34932939 (cited by SIB Swiss Institute of Bioinformatics and OMIM).

NM_144666.3(DNHD1):c.911G>A (p.Arg304Gln)

Gene: DNHD1 (dynein heavy chain domain 1; plus strand). Cytogenetic location: 11p15.4.
Variant type: single nucleotide variant.
Coding change: c.911G>A on transcript NM_144666.3 (MANE Select); coding-DNA position 911, G replaced by A.
Protein change: p.Arg304Gln; replaces arginine 304 with glutamine.
Molecular consequence: missense variant.
Genome position (GRCh38, 1-based): chr11:6,502,917, G>A. VCF-style: chr11-6502917-G-A. GRCh37 (hg19) VCF-style: chr11-6524147-G-A.
Other names: c.911G>A, p.Arg304Gln (NM_173589.4); short protein forms R304Q.
Identifiers: ClinVar variation 1334454 (VCV001334454.2), dbSNP rs369544858, ClinGen allele CA5855426.